The following is an entry in ClinVar:

NM_001079.4(ZAP70):c.1605C>T (p.Tyr535=)

Gene: ZAP70 (zeta chain of T cell receptor associated protein kinase 70; plus strand). Cytogenetic location: 2q11.2.
Variant type: single nucleotide variant.
Coding change: c.1605C>T on transcript NM_001079.4 (MANE Select); coding-DNA position 1605, C replaced by T.
Protein change: p.Tyr535=; no amino-acid change (tyrosine 535 retained).
Molecular consequence: synonymous variant.
Genome position (GRCh38, 1-based): chr2:97,737,879, C>T. VCF-style: chr2-97737879-C-T. GRCh37 (hg19) VCF-style: chr2-98354342-C-T.
Other names: p.Tyr535=; c.1605C>T, p.Tyr535= (NM_001378594.1); c.684C>T, p.Tyr228= (NM_207519.2).
Identifiers: ClinVar variation 766795 (VCV000766795.20), dbSNP rs11889573, ClinGen allele CA1790503.

ClinVar aggregate classification (germline): Benign/Likely benign. Review status: criteria provided, multiple submitters, no conflicts (2 of 4 stars). 7 submissions from 7 submitters: Benign (3); Likely benign (3). 1 of the submissions does not count toward it. Last evaluated 2026-02-02.

Conditions:
ZAP70-related disorder. Also called: ZAP70-related condition.
Combined immunodeficiency due to ZAP70 deficiency (IMD48). Also called: ZAP70 Deficiency; Immunodeficiency 48. Identifiers: Orphanet 911, MedGen C2931299, MONDO:0010023, OMIM 269840.

Allele frequency attached by ClinVar (database versions not stated): ESP Exome Variant Server 0.00108; 1000 Genomes Project 0.00280; TOPMed 0.00170; 1000 Genomes Project 30x 0.00265; gnomAD exomes 0.00038 and 0.00087; ExAC 0.00106; gnomAD 0.00177 and 0.00169.
gnomAD v4.1: 841 of 1,614,120 alleles (0.052%); highest among the groups gnomAD compares: African/African-American, 0.61%; 9 homozygotes.

Submissions (7):

Labcorp Genetics (formerly Invitae), Labcorp
Classification: Benign for Combined immunodeficiency due to ZAP70 deficiency. Last evaluated: 2026-02-02. Review status: criteria provided, single submitter. Criteria: Invitae Variant Classification Sherloc (09022015). Collection method: clinical testing. Allele origin: germline.

Mayo Clinic Laboratories, Mayo Clinic
Classification: Benign. Last evaluated: 2025-07-23. Review status: criteria provided, single submitter. Criteria: ACMG Guidelines, 2015. Collection method: clinical testing. Allele origin: germline. Observed: 1 variant allele.
Comment: BS1, BS2, BP4, BP7

Blueprint Genetics
Classification: Likely benign. Last evaluated: 2024-07-19. Review status: criteria provided, single submitter. Criteria: ACMG Guidelines, 2015. Collection method: clinical testing. Allele origin: germline.

Women's Health and Genetics/Laboratory Corporation of America, LabCorp
Classification: Benign. Last evaluated: 2022-12-29. Review status: criteria provided, single submitter. Criteria: LabCorp Variant Classification Summary - May 2015. Collection method: clinical testing. Allele origin: germline.

GeneDx
Classification: Likely benign. Last evaluated: 2019-01-30. Review status: criteria provided, single submitter. Criteria: GeneDx Variant Classification Process June 2021. Collection method: clinical testing. Allele origin: germline. Affected: yes.

Breakthrough Genomics
Classification: Likely benign. Review status: criteria provided, single submitter. Criteria: ACMG Guidelines, 2015. Collection method: not provided. Allele origin: germline. Inheritance: Autosomal recessive inheritance. Affected: yes.

PreventionGenetics, part of Exact Sciences
Classification: Likely benign for ZAP70-related condition. Last evaluated: 2023-04-25. Review status: no assertion criteria provided. Collection method: clinical testing. Allele origin: germline. Not counted in ClinVar's aggregate classification.
Comment: This variant is classified as likely benign based on ACMG/AMP sequence variant interpretation guidelines (Richards et al. 2015 PMID: 25741868, with internal and published modifications).